The following is an entry in ClinVar:

NM_002317.7(LOX):c.1035+4T>C

Genes: LOX (lysyl oxidase; minus strand), SRFBP1 (serum response factor binding protein 1; plus strand). Cytogenetic location: 5q23.1.
Variant type: single nucleotide variant.
Coding change: c.1035+4T>C on transcript NM_002317.7 (MANE Select); 4 bases into the intron after coding-DNA position 1035, T replaced by C.
Molecular consequence: intron variant.
Genome position (GRCh38, 1-based): chr5:122,074,009, A>G on the plus strand (T>C on the coding strand, the complement: LOX is on the minus strand). VCF-style: chr5-122074009-A-G. GRCh37 (hg19) VCF-style: chr5-121409704-A-G.
Other names: c.345+4T>C (NM_001178102.2); c.144+4T>C (NM_001317073.1); c.1035+4T>C (NM_002317.6).
Identifiers: ClinVar variation 1407636 (VCV001407636.12), dbSNP rs763804503, ClinGen allele CA3383882.

ClinVar aggregate classification (germline): Conflicting classifications of pathogenicity. Review status: criteria provided, conflicting classifications (1 of 4 stars). 4 submissions from 4 submitters: Uncertain significance (2); Likely benign (1). 1 of the submissions does not count toward it. Last evaluated 2025-12-02.

Conditions:
LOX-related disorder. Also called: LOX-related disorders; LOX-related condition.
Cardiovascular phenotype. Identifiers: MedGen CN230736.

Allele frequency attached by ClinVar (database versions not stated): ExAC 0.00007.
gnomAD v4.1: 57 of 1,610,692 alleles (0.0035%); highest among the groups gnomAD compares: Admixed American, 0.025%; no homozygotes.

Submissions (4):

Labcorp Genetics (formerly Invitae), Labcorp
Classification: Uncertain significance. Last evaluated: 2025-12-02. Review status: criteria provided, single submitter. Criteria: Invitae Variant Classification Sherloc (09022015). Collection method: clinical testing. Allele origin: germline.
Comment: This sequence change falls in intron 4 of the LOX gene. It does not directly change the encoded amino acid sequence of the LOX protein. It affects a nucleotide within the consensus splice site. This variant is present in population databases (rs763804503, gnomAD 0.04%), and has an allele count higher than expected for a pathogenic variant. This variant has not been reported in the literature in individuals affected with LOX-related conditions. ClinVar contains an entry for this variant (Variation ID: 1407636). Variants that disrupt the consensus splice site are a relatively common cause of aberrant splicing (PMID: 17576681, 9536098). Algorithms developed to predict the effect of sequence changes on RNA splicing suggest that this variant is not likely to affect RNA splicing. In summary, the available evidence is currently insufficient to determine the role of this variant in disease. Therefore, it has been classified as a Variant of Uncertain Significance.

Ambry Genetics
Classification: Uncertain significance for Cardiovascular phenotype. Last evaluated: 2025-05-24. Review status: criteria provided, single submitter. Criteria: Ambry Variant Classification Scheme 2023. Collection method: clinical testing. Allele origin: germline.
Comment: The c.1035+4T>C intronic variant results from a T to C substitution 4 nucleotides after coding exon 4 in the LOX gene. This nucleotide position is poorly conserved in available vertebrate species. In silico splice site analysis predicts that this alteration will not have any significant effect on splicing. Since supporting evidence is limited at this time, the clinical significance of this alteration remains unclear.

Blueprint Genetics
Classification: Likely benign. Last evaluated: 2024-01-11. Review status: criteria provided, single submitter. Criteria: ACMG Guidelines, 2015. Collection method: clinical testing. Allele origin: germline.

PreventionGenetics, part of Exact Sciences
Classification: Likely benign for LOX-related condition. Last evaluated: 2022-07-30. Review status: no assertion criteria provided. Collection method: clinical testing. Allele origin: germline. Not counted in ClinVar's aggregate classification.
Comment: This variant is classified as likely benign based on ACMG/AMP sequence variant interpretation guidelines (Richards et al. 2015 PMID: 25741868, with internal and published modifications).

Literature cited by the submitters: PubMed 17576681 (cited by Labcorp Genetics (formerly Invitae), Labcorp); PubMed 9536098 (cited by Labcorp Genetics (formerly Invitae), Labcorp).